The following is an entry in ClinVar:

NM_000275.3(OCA2):c.2152G>T (p.Glu718Ter)

Gene: OCA2 (OCA2 melanosomal transmembrane protein; minus strand). Cytogenetic location: 15q13.1.
Variant type: single nucleotide variant.
Coding change: c.2152G>T on transcript NM_000275.3 (MANE Select); coding-DNA position 2152, G replaced by T.
Protein change: p.Glu718Ter; replaces glutamic acid 718 with a stop codon.
Molecular consequence: nonsense.
Genome position (GRCh38, 1-based): chr15:27,871,246, C>A on the plus strand (G>T on the coding strand, the complement: OCA2 is on the minus strand). VCF-style: chr15-27871246-C-A. GRCh37 (hg19) VCF-style: chr15-28116392-C-A.
Other names: c.2080G>T, p.Glu694Ter (NM_001300984.2); short protein forms E694*, E718*.
Identifiers: ClinVar variation 5013392 (VCV005013392.1).

ClinVar aggregate classification (germline): Pathogenic (1 of 4 stars; one submission).

Conditions:
Tyrosinase-positive oculocutaneous albinism (OCA2). Also called: ALBINISM II; Oculocutaneous albinism type 2; Albinism, oculocutaneous, type II. Identifiers: Orphanet 79432, MedGen C0268495, MONDO:0008746, OMIM 203200.

Submission:

Myriad Genetics, Inc.
Classification: Pathogenic for Tyrosinase-positive oculocutaneous albinism. Last evaluated: 2024-07-31. Review status: criteria provided, single submitter. Criteria: Myriad Autosomal Dominant, Autosomal Recessive and X-Linked Classification Criteria (2023). Collection method: clinical testing. Allele origin: unknown.
Comment: NM_000275.2(OCA2):c.2152G>T(E718*) is expected to be pathogenic in the context of oculocutaneous albinism, OCA2-related. This variant is predicted to lead to an abnormal or absent protein product due to the creation of a premature termination codon in OCA2, a gene where loss-of-function variants are known to be pathogenic. Please note: this variant was assessed in the context of healthy population screening.